The following is an entry in ClinVar:

ClinVar aggregate classification (germline): Likely benign. Review status: criteria provided, multiple submitters, no conflicts (2 of 4 stars). 2 submissions from 2 submitters: Likely benign (2). Last evaluated 2025-08-29.

Conditions:
Familial hemiplegic migraine. Identifiers: MedGen C0338484, MONDO:0000700.

Allele frequency attached by ClinVar (database versions not stated): gnomAD exomes 0.00002 and 0.00001; TOPMed below 0.00001; ExAC 0.00001.
gnomAD v4.1: 27 of 1,614,176 alleles (0.0017%); highest among the groups gnomAD compares: East Asian, 0.0022%; no homozygotes.

Submissions (2):

Labcorp Genetics (formerly Invitae), Labcorp
Classification: Likely benign for Familial hemiplegic migraine. Last evaluated: 2025-08-29. Review status: criteria provided, single submitter. Criteria: Invitae Variant Classification Sherloc (09022015). Collection method: clinical testing. Allele origin: germline.

GeneDx
Classification: Likely benign. Last evaluated: 2018-01-17. Review status: criteria provided, single submitter. Criteria: GeneDx Variant Classification (06012015). Collection method: clinical testing. Allele origin: germline. Affected: yes.
Comment: This variant is considered likely benign or benign based on one or more of the following criteria: it is a conservative change, it occurs at a poorly conserved position in the protein, it is predicted to be benign by multiple in silico algorithms, and/or has population frequency not consistent with disease.

NM_000702.4(ATP1A2):c.1158C>T (p.Val386=)

Gene: ATP1A2 (ATPase Na+/K+ transporting subunit alpha 2; plus strand). Cytogenetic location: 1q23.2.
Variant type: single nucleotide variant.
Coding change: c.1158C>T on transcript NM_000702.4 (MANE Select); coding-DNA position 1158, C replaced by T.
Protein change: p.Val386=; no amino-acid change (valine 386 retained).
Molecular consequence: synonymous variant.
Genome position (GRCh38, 1-based): chr1:160,128,792, C>T. VCF-style: chr1-160128792-C-T. GRCh37 (hg19) VCF-style: chr1-160098582-C-T.
Identifiers: ClinVar variation 516645 (VCV000516645.8), dbSNP rs752381925, ClinGen allele CA1194380.